The following is an entry in ClinVar:

NM_000553.6(WRN):c.3983-9C>A

Gene: WRN (WRN RecQ like helicase; plus strand). Cytogenetic location: 8p12.
Variant type: single nucleotide variant.
Coding change: c.3983-9C>A on transcript NM_000553.6 (MANE Select); 9 bases into the intron before coding-DNA position 3983, C replaced by A.
Molecular consequence: intron variant.
Genome position (GRCh38, 1-based): chr8:31,167,013, C>A. VCF-style: chr8-31167013-C-A. GRCh37 (hg19) VCF-style: chr8-31024529-C-A.
Identifiers: ClinVar variation 4810053 (VCV004810053.1).
Genomic context (GRCh38, chr8:31,167,013, plus strand): 5'-CTAGCTCATAGGTTTTCTAAAATATTCTCTGTAATTTATTTTGAAATGGAGTTTTTTTAT[C>A]GTTTACAGATATGAGTAAAATTAGCCTAATCAGAATGTTAGTTCCTGAAAACATTGACAC-3'

ClinVar aggregate classification (germline): Uncertain significance (1 of 4 stars; one submission).

Conditions:
Werner syndrome (WRN). Identifiers: Orphanet 902, MedGen C0043119, MONDO:0010196, OMIM 277700.

Submission:

Labcorp Genetics (formerly Invitae), Labcorp
Classification: Uncertain significance for Werner syndrome. Last evaluated: 2025-08-18. Review status: criteria provided, single submitter. Criteria: Invitae Variant Classification Sherloc (09022015). Collection method: clinical testing. Allele origin: germline.
Comment: This sequence change falls in intron 33 of the WRN gene. It does not directly change the encoded amino acid sequence of the WRN protein. This variant is not present in population databases (gnomAD no frequency). This variant has not been reported in the literature in individuals affected with WRN-related conditions. Algorithms developed to predict the effect of sequence changes on RNA splicing suggest that this variant may disrupt the consensus splice site. In summary, the available evidence is currently insufficient to determine the role of this variant in disease. Therefore, it has been classified as a Variant of Uncertain Significance.